The following is an entry in ClinVar:

ClinVar aggregate classification (germline): Benign/Likely benign. Review status: criteria provided, multiple submitters, no conflicts (2 of 4 stars). 2 submissions from 2 submitters: Benign (1); Likely benign (1). Last evaluated 2025-03-24.

Conditions:
Juvenile polyposis/hereditary hemorrhagic telangiectasia syndrome (JPHT). Also called: JP/HHT SYNDROME; JUVENILE POLYPOSIS WITH HEREDITARY HEMORRHAGIC TELANGIECTASIA; POLYPOSIS, GENERALIZED JUVENILE, WITH PULMONARY ARTERIOVENOUS MALFORMATION; TELANGIECTASIA, HEREDITARY HEMORRHAGIC, WITH JUVENILE POLYPOSIS COLI; Juvenile Polyposis Syndrome / Hereditary Hemorrhagic Telangiectasia (JPS/HHT). Identifiers: Orphanet 2929, MedGen C1832942, MONDO:0008278, OMIM 175050.
Juvenile polyposis syndrome (JPS). Identifiers: Orphanet 2929, MedGen C0345893, MONDO:0017380, OMIM 174900.

Submissions (2):

Myriad Genetics, Inc.
Classification: Benign for Juvenile polyposis/hereditary hemorrhagic telangiectasia syndrome. Last evaluated: 2025-03-24. Review status: criteria provided, single submitter. Criteria: Myriad Autosomal Dominant, Autosomal Recessive and X-Linked Classification Criteria (2023). Collection method: clinical testing. Allele origin: unknown.
Comment: This variant is considered benign. This variant is a silent/synonymous amino acid change and it is not expected to impact splicing.

Labcorp Genetics (formerly Invitae), Labcorp
Classification: Likely benign for Juvenile polyposis syndrome. Last evaluated: 2022-05-06. Review status: criteria provided, single submitter. Criteria: Invitae Variant Classification Sherloc (09022015). Collection method: clinical testing. Allele origin: germline.

NM_005359.6(SMAD4):c.1650T>C (p.Pro550=)

Gene: SMAD4 (SMAD family member 4; plus strand). Cytogenetic location: 18q21.2.
Variant type: single nucleotide variant.
Coding change: c.1650T>C on transcript NM_005359.6 (MANE Select); coding-DNA position 1650, T replaced by C.
Protein change: p.Pro550=; no amino-acid change (proline 550 retained).
Molecular consequence: synonymous variant. On other transcripts: non-coding transcript variant (1).
Genome position (GRCh38, 1-based): chr18:51,078,458, T>C. VCF-style: chr18-51078458-T-C. GRCh37 (hg19) VCF-style: chr18-48604828-T-C.
Other names: c.1650T>C, p.Pro550= (NM_001407041.1, NM_001407042.1).
Identifiers: ClinVar variation 2134735 (VCV002134735.5), dbSNP rs1910528129, ClinGen allele CA503874075.
Genomic context (GRCh38, chr18:51,078,458, plus strand): 5'-CCGGGCCCTCCAGCTCCTAGACGAAGTACTTCATACCATGCCGATTGCAGACCCACAACC[T>C]TTAGACTGAGGTCTTTTACCGTTGGGGCCCTTAACCTTATCAGGATGGTGGACTACAAAA-3'
Protein context (NP_005350.1, residues 540-552): LHTMPIADPQ[Pro550=]LD